The following is an entry in ClinVar:

NM_001292063.2(OTOG):c.8461+1G>A

Gene: OTOG (otogelin; plus strand). Cytogenetic location: 11p15.1.
Variant type: single nucleotide variant.
Coding change: c.8461+1G>A on transcript NM_001292063.2 (MANE Select); the canonical splice donor site of the intron after coding-DNA position 8461, G replaced by A.
Molecular consequence: splice donor variant.
Genome position (GRCh38, 1-based): chr11:17,643,507, G>A. VCF-style: chr11-17643507-G-A. GRCh37 (hg19) VCF-style: chr11-17665054-G-A.
Other names: c.8497+1G>A (NM_001277269.2).
Identifiers: ClinVar variation 3900789 (VCV003900789.2).

ClinVar aggregate classification (germline): Likely pathogenic (1 of 4 stars; one submission).

gnomAD v4.1: 2 of 1,450,194 alleles (0.00014%); highest among the groups gnomAD compares: Non-Finnish European, 0.00018%; no homozygotes.

Submission:

GeneDx
Classification: Likely pathogenic. Last evaluated: 2025-06-06. Review status: criteria provided, single submitter. Criteria: GeneDx Variant Classification Process June 2021. Collection method: clinical testing. Allele origin: germline.
Comment: Canonical splice site variant predicted to result in a null allele in a gene for which loss of function is a known mechanism of disease; Not observed at significant frequency in large population cohorts (gnomAD); Has not been previously published as pathogenic or benign to our knowledge